The following is an entry in ClinVar:

NM_001130823.3(DNMT1):c.1492+3_1492+6del

Gene: DNMT1 (DNA methyltransferase 1; minus strand). Cytogenetic location: 19p13.2.
Variant type: Deletion.
Coding change: c.1492+3_1492+6del on transcript NM_001130823.3 (MANE Select); bases 3 to 6 of the intron after coding-DNA position 1492, 4 bases deleted (AAGT; older notation c.1492+3_1492+6delAAGT).
Molecular consequence: splice donor variant.
Genome position (GRCh38, 1-based): chr19:10,155,847-10,155,850, ACTT deleted on the plus strand (AAGT on the coding strand, the reverse complement: DNMT1 is on the minus strand); deleting any 4 consecutive bases within chr19:10,155,847-10,155,852 gives the same sequence; the c. name uses the placement nearest the transcript's 3' end. VCF-style (leftmost placement, unchanged base first): chr19-10155846-CACTT-C. GRCh37 (hg19) VCF-style: chr19-10266522-CACTT-C.
Other names: c.1129+3_1129+6del (NM_001318731.2); c.1444+3_1444+6del (NM_001379.4, NM_001318730.2); c.1492+3_1492+6delAAGT (NM_001130823.3).
Identifiers: ClinVar variation 1804715 (VCV001804715.1), dbSNP rs2513826334, ClinGen allele CA2580096169.

ClinVar aggregate classification (germline): Uncertain significance (1 of 4 stars; one submission).

Submission:

Women's Health and Genetics/Laboratory Corporation of America, LabCorp
Classification: Uncertain significance. Last evaluated: 2022-11-16. Review status: criteria provided, single submitter. Criteria: LabCorp Variant Classification Summary - May 2015. Collection method: clinical testing. Allele origin: germline.
Comment: Variant summary: DNMT1 c.1492+3_1492+6delAAGT deletes 4 nucleotides located close to a canonical splice site and therefore could affect mRNA splicing, leading to a significantly altered protein sequence. Several computational tools predict a significant impact on normal splicing: Two predict the variant abolishes a canonical 5' splicing donor site and two predict the variant weakens the same canonical 5' donor site. However, these predictions have yet to be confirmed by functional studies. The variant was absent in 247778 control chromosomes (gnomAD). The available data on variant occurrences in the general population are insufficient to allow any conclusion about variant significance. To our knowledge, no occurrence of c.1492+3_1492+6delAAGT in individuals affected with Hereditary Sensory Neuropathy-Deafness Syndrome and no experimental evidence demonstrating its impact on protein function have been reported. No clinical diagnostic laboratories have submitted clinical-significance assessments for this variant to ClinVar after 2014. Based on the evidence outlined above, the variant was classified as uncertain significance.